The following is an entry in ClinVar:

NM_001261826.3(AP3D1):c.1041G>T (p.Gln347His)

Gene: AP3D1 (adaptor related protein complex 3 subunit delta 1; minus strand). Cytogenetic location: 19p13.3.
Variant type: single nucleotide variant.
Coding change: c.1041G>T on transcript NM_001261826.3 (MANE Select); coding-DNA position 1041, G replaced by T.
Protein change: p.Gln347His; replaces glutamine 347 with histidine.
Molecular consequence: missense variant.
Genome position (GRCh38, 1-based): chr19:2,121,794, C>A on the plus strand (G>T on the coding strand, the complement: AP3D1 is on the minus strand). VCF-style: chr19-2121794-C-A. GRCh37 (hg19) VCF-style: chr19-2121793-C-A.
Other names: c.1041G>T, p.Gln347His (NM_001374799.1, NM_003938.8); short protein forms Q347H.
Identifiers: ClinVar variation 2831551 (VCV002831551.3), dbSNP rs2512175743, ClinGen allele CA403224949.

ClinVar aggregate classification (germline): Uncertain significance (1 of 4 stars; one submission).

Submission:

Labcorp Genetics (formerly Invitae), Labcorp
Classification: Uncertain significance. Last evaluated: 2024-02-19. Review status: criteria provided, single submitter. Criteria: Invitae Variant Classification Sherloc (09022015). Collection method: clinical testing. Allele origin: germline.
Comment: This sequence change replaces glutamine, which is neutral and polar, with histidine, which is basic and polar, at codon 347 of the AP3D1 protein (p.Gln347His). This variant is not present in population databases (gnomAD no frequency). This variant has not been reported in the literature in individuals affected with AP3D1-related conditions. An algorithm developed to predict the effect of missense changes on protein structure and function (PolyPhen-2) suggests that this variant is likely to be tolerated. In summary, the available evidence is currently insufficient to determine the role of this variant in disease. Therefore, it has been classified as a Variant of Uncertain Significance.